The following is an entry in ClinVar:

ClinVar aggregate classification (germline): Likely benign. Review status: criteria provided, single submitter (1 of 4 stars). 2 submissions from 2 submitters: Likely benign (1). 1 of the submissions does not count toward it. Last evaluated 2016-03-14.

Conditions:
PMM2-related disorder. Also called: PMM2-related condition.

Allele frequency attached by ClinVar (database versions not stated): gnomAD exomes 0.00002; gnomAD 0.00006; TOPMed 0.00002; ExAC 0.00002.
gnomAD v4.1: 159 of 1,608,656 alleles (0.0099%); highest among the groups gnomAD compares: Middle Eastern, 0.017%; no homozygotes.

Submissions (2):

GeneDx
Classification: Likely benign. Last evaluated: 2016-03-14. Review status: criteria provided, single submitter. Criteria: GeneDx Variant Classification (06012015). Collection method: clinical testing. Allele origin: germline. Affected: yes.
Comment: This variant is considered likely benign or benign based on one or more of the following criteria: it is a conservative change, it occurs at a poorly conserved position in the protein, it is predicted to be benign by multiple in silico algorithms, and/or has population frequency not consistent with disease.

PreventionGenetics, part of Exact Sciences
Classification: Likely benign for PMM2-related condition. Last evaluated: 2023-02-04. Review status: no assertion criteria provided. Collection method: clinical testing. Allele origin: germline. Not counted in ClinVar's aggregate classification.
Comment: This variant is classified as likely benign based on ACMG/AMP sequence variant interpretation guidelines (Richards et al. 2015 PMID: 25741868, with internal and published modifications).

NM_000303.3(PMM2):c.*2G>A

Gene: PMM2 (phosphomannomutase 2; plus strand). Cytogenetic location: 16p13.2.
Variant type: single nucleotide variant.
Coding change: c.*2G>A on transcript NM_000303.3 (MANE Select); 2 bases downstream of the stop codon, G replaced by A.
Molecular consequence: 3 prime UTR variant.
Genome position (GRCh38, 1-based): chr16:8,847,827, G>A. VCF-style: chr16-8847827-G-A. GRCh37 (hg19) VCF-style: chr16-8941684-G-A.
Identifiers: ClinVar variation 384229 (VCV000384229.3), dbSNP rs773232556, ClinGen allele CA7894222.
Genomic context (GRCh38, chr16:8,847,827, plus strand): 5'-GCTACTCCGTGACAGCGCCTGAGGACACGCGCAGGATCTGTGAACTGCTGTTCTCCTAAC[G>A]TGGGAGCGGGAGGGGCGGGGTCCCGGCTGACAAGCCAGCATAGGGCATTCGGTGGCCAGA-3'